The following is an entry in ClinVar:

NM_000057.4(BLM):c.1429_1432del (p.Thr477fs)

Gene: BLM (BLM RecQ like helicase; plus strand). Cytogenetic location: 15q26.1.
Variant type: Deletion.
Coding change: c.1429_1432del on transcript NM_000057.4 (MANE Select); coding-DNA positions 1429 to 1432, 4 bases deleted (ACAG; older notation c.1429_1432delACAG).
Protein change: p.Thr477fs; shifts the reading frame from threonine 477.
Molecular consequence: frameshift variant.
Genome position (GRCh38, 1-based): chr15:90,760,802-90,760,805, ACAG deleted; deleting any 4 consecutive bases within chr15:90,760,800-90,760,805 gives the same sequence; the c. name uses the placement nearest the transcript's 3' end. VCF-style (leftmost placement, unchanged base first): chr15-90760799-AAGAC-A. GRCh37 (hg19) VCF-style: chr15-91304029-AAGAC-A.
Other names: c.1429_1432del (LRG_20t1); c.1429_1432del, p.Thr477fs (NM_001287246.2, NM_001287247.2); c.304_307del, p.Thr102fs (NM_001287248.2); short protein forms T102fs, T477fs.
Identifiers: ClinVar variation 553382 (VCV000553382.9), dbSNP rs1555419873, ClinGen allele CA658824613.

ClinVar aggregate classification (germline): Pathogenic/Likely pathogenic. Review status: criteria provided, multiple submitters, no conflicts (2 of 4 stars). 4 submissions from 4 submitters: Pathogenic (2); Likely pathogenic (1). 1 of the submissions does not count toward it. Last evaluated 2026-06-09.

Conditions:
Bloom syndrome (BLM). Also called: Bloom-Torre-Machacek syndrome. Identifiers: Orphanet 125, MedGen C0005859, MONDO:0008876, OMIM 210900.

Submissions (4):

Myriad Genetics, Inc.
Classification: Pathogenic for Bloom syndrome. Last evaluated: 2026-06-09. Review status: criteria provided, single submitter. Criteria: Myriad Autosomal Dominant, Autosomal Recessive and X-Linked Classification Criteria (2023). Collection method: clinical testing. Allele origin: unknown.
Comment: This variant is considered pathogenic. This variant creates a frameshift predicted to result in premature protein truncation.

Baylor Genetics
Classification: Likely pathogenic for Bloom syndrome. Last evaluated: 2023-12-21. Review status: criteria provided, single submitter. Criteria: ACMG Guidelines, 2015. Collection method: clinical testing. Allele origin: unknown.

Labcorp Genetics (formerly Invitae), Labcorp
Classification: Pathogenic for Bloom syndrome. Last evaluated: 2022-05-08. Review status: criteria provided, single submitter. Criteria: Invitae Variant Classification Sherloc (09022015). Collection method: clinical testing. Allele origin: germline.
Comment: For these reasons, this variant has been classified as Pathogenic. ClinVar contains an entry for this variant (Variation ID: 553382). This variant has not been reported in the literature in individuals affected with BLM-related conditions. This variant is not present in population databases (gnomAD no frequency). This sequence change creates a premature translational stop signal (p.Thr477Aspfs*24) in the BLM gene. It is expected to result in an absent or disrupted protein product. Loss-of-function variants in BLM are known to be pathogenic (PMID: 17407155).

Counsyl
Classification: Likely pathogenic for Bloom syndrome. Last evaluated: 2017-08-24. Review status: no assertion criteria provided. Collection method: clinical testing. Allele origin: unknown. Not counted in ClinVar's aggregate classification.

Literature cited by the submitters: PubMed 17407155 (cited by Labcorp Genetics (formerly Invitae), Labcorp).